The following is an entry in ClinVar:

ClinVar aggregate classification (germline): Uncertain significance. Review status: criteria provided, multiple submitters, no conflicts (2 of 4 stars). 4 submissions from 4 submitters: Uncertain significance (4). Last evaluated 2026-02-01.

Conditions:
Cardiovascular phenotype. Identifiers: MedGen CN230736.
Hypertrophic cardiomyopathy 26. Also called: Cardiomyopathy, familial hypertrophic, 26. Identifiers: Orphanet 75249, MedGen C4310749, MONDO:0014883, OMIM 617047.
Distal myopathy with posterior leg and anterior hand involvement. Also called: WILLIAMS DISTAL MYOPATHY. Identifiers: Orphanet 63273, MedGen C3279722, MONDO:0013550, OMIM 614065.
Myofibrillar myopathy 5. Also called: Filaminopathy (type); FILAMINOPATHY, AUTOSOMAL DOMINANT. Identifiers: Orphanet 171445, MedGen C1836050, MONDO:0012289, OMIM 609524.

Allele frequency attached by ClinVar (database versions not stated): ExAC below 0.00001; gnomAD 0.00001; TOPMed 0.00001; gnomAD exomes 0.00011; 1000 Genomes Project 30x 0.00016; 1000 Genomes Project 0.00020.
gnomAD v4.1: 152 of 1,613,516 alleles (0.0094%); highest among the groups gnomAD compares: Non-Finnish European, 0.012%; no homozygotes.

Submissions (4):

Labcorp Genetics (formerly Invitae), Labcorp
Classification: Uncertain significance for Distal myopathy with posterior leg and anterior hand involvement; Myofibrillar myopathy 5; Hypertrophic cardiomyopathy 26. Last evaluated: 2026-02-01. Review status: criteria provided, single submitter. Criteria: Invitae Variant Classification Sherloc (09022015). Collection method: clinical testing. Allele origin: germline.
Comment: This sequence change replaces valine, which is neutral and non-polar, with methionine, which is neutral and non-polar, at codon 1491 of the FLNC protein (p.Val1491Met). This variant is not present in population databases (gnomAD no frequency). This variant has not been reported in the literature in individuals affected with FLNC-related conditions. ClinVar contains an entry for this variant (Variation ID: 848082). Invitae Evidence Modeling of protein sequence and biophysical properties (such as structural, functional, and spatial information, amino acid conservation, physicochemical variation, residue mobility, and thermodynamic stability) has been performed for this missense variant. However, the output from this modeling did not meet the statistical confidence thresholds required to predict the impact of this variant on FLNC protein function. In summary, the available evidence is currently insufficient to determine the role of this variant in disease. Therefore, it has been classified as a Variant of Uncertain Significance.

Blueprint Genetics
Classification: Uncertain significance. Last evaluated: 2023-11-23. Review status: criteria provided, single submitter. Criteria: ACMG Guidelines, 2015. Collection method: clinical testing. Allele origin: germline.

Ambry Genetics
Classification: Uncertain significance for Cardiovascular phenotype. Last evaluated: 2023-06-05. Review status: criteria provided, single submitter. Criteria: Ambry Variant Classification Scheme 2023. Collection method: clinical testing. Allele origin: germline.
Comment: The p.V1491M variant (also known as c.4471G>A), located in coding exon 26 of the FLNC gene, results from a G to A substitution at nucleotide position 4471. The valine at codon 1491 is replaced by methionine, an amino acid with highly similar properties. This amino acid position is well conserved in available vertebrate species. In addition, the in silico prediction for this alteration is inconclusive. Since supporting evidence is limited at this time, the clinical significance of this alteration remains unclear.

Victorian Clinical Genetics Services, Murdoch Childrens Research Institute
Classification: Uncertain significance for Hypertrophic cardiomyopathy 26. Last evaluated: 2021-05-06. Review status: criteria provided, single submitter. Criteria: ACMG Guidelines, 2015. Collection method: clinical testing. Allele origin: germline. Inheritance: Autosomal dominant inheritance. Affected: yes.
Comment: Based on the classification scheme VCGS_Germline_v1.3.4, this variant is classified as VUS-3B. Following criteria are met: 0103 - Loss of function and gain of function are known mechanisms of disease in this gene and are associated with FLNC-related disease. Loss of function variants have been reported to cause myofibrillar myopathy, 5 (MIM#609524), distal myopathy, 4 (MIM#614065), familial hypertrophic cardiomyopathy, 26 (MIM#617047) and dilated cardiomyopathy. Gain of function variants have also been reported to cause distal myopathy, 4 (MIM#614065) (PMID: 28008423, PMID: 23109048). (I) 0107 - This gene is associated with autosomal dominant disease. (I) 0200 - Variant is predicted to result in a missense amino acid change from valine to methionine. (I) 0251 - This variant is heterozygous. (I) 0302 - Variant is present in gnomAD (v3) <0.001 for a dominant condition (2 heterozygotes, 0 homozygotes). (SP) 0502 - Missense variant with conflicting in silico predictions and uninformative conservation. (I) 0600 - Variant is located in the annotated filamin-type immunoglobulin domain (NCBI conserved domain). (I) 0705 - No comparable missense variants have previous evidence for pathogenicity. (I) 0809 - Previous evidence of pathogenicity for this variant is inconclusive. This variant has been reported as a VUS in ClinVar.(I) 0905 - No published segregation evidence has been identified for this variant. (I) 1007 - No published functional evidence has been identified for this variant. (I) 1208 - Inheritance information for this variant is not currently available in this individual. (I) Legend: (SP) - Supporting pathogenic, (I) - Information, (SB) - Supporting benign

Literature cited by the submitters: PubMed 23109048 (cited by Victorian Clinical Genetics Services, Murdoch Childrens Research Institute); PubMed 28008423 (cited by Victorian Clinical Genetics Services, Murdoch Childrens Research Institute).

NM_001458.5(FLNC):c.4471G>A (p.Val1491Met)

Gene: FLNC (filamin C; plus strand). Cytogenetic location: 7q32.1.
Variant type: single nucleotide variant.
Coding change: c.4471G>A on transcript NM_001458.5 (MANE Select); coding-DNA position 4471, G replaced by A.
Protein change: p.Val1491Met; replaces valine 1491 with methionine.
Molecular consequence: missense variant.
Genome position (GRCh38, 1-based): chr7:128,847,959, G>A. VCF-style: chr7-128847959-G-A. GRCh37 (hg19) VCF-style: chr7-128488013-G-A.
Other names: c.4471G>A, p.Val1491Met (NM_001127487.2); short protein forms V1491M.
Identifiers: ClinVar variation 848082 (VCV000848082.14), dbSNP rs186904046, ClinGen allele CA4475354.
Genomic context (GRCh38, chr7:128,847,959, plus strand): 5'-GGGCGGGACGCCCGGAGGCTCTGCTGACCCTGTGCCCCTTGCCCAGGTGTGGCCGAGCCT[G>A]TGGAGGTGCGGGACAATGGAGATGGCACCCACACTGTCCACTACACCCCAGCCACTGACG-3'
Protein context (NP_001449.3, residues 1481-1501): VLGPTGVAEP[Val1491Met]EVRDNGDGTH